The following is an entry in ClinVar:

NM_000038.6(APC):c.5304G>C (p.Lys1768Asn)

Gene: APC (APC regulator of Wnt signaling pathway; plus strand). Cytogenetic location: 5q22.2.
Variant type: single nucleotide variant.
Coding change: c.5304G>C on transcript NM_000038.6 (MANE Select); coding-DNA position 5304, G replaced by C.
Protein change: p.Lys1768Asn; replaces lysine 1768 with asparagine.
Molecular consequence: missense variant.
Genome position (GRCh38, 1-based): chr5:112,840,898, G>C. VCF-style: chr5-112840898-G-C. GRCh37 (hg19) VCF-style: chr5-112176595-G-C.
Other names: c.5304G>C, p.Lys1768Asn (NM_001354895.2, NM_001127510.3); c.5358G>C, p.Lys1786Asn (NM_001354896.2); c.5334G>C, p.Lys1778Asn (NM_001354897.2); c.5229G>C, p.Lys1743Asn (NM_001354898.2); c.5220G>C, p.Lys1740Asn (NM_001354899.2); c.5181G>C, p.Lys1727Asn (NM_001354900.2); c.5250G>C, p.Lys1750Asn (NM_001127511.3); c.5127G>C, p.Lys1709Asn (NM_001354901.2); and 5 more; short protein forms K1485N, K1642N, K1750N, K1778N, K1608N, K1667N, K1727N, K1768N.
Identifiers: ClinVar variation 1374809 (VCV001374809.6), dbSNP rs863224285, ClinGen allele CA16032926.
Genomic context (GRCh38, chr5:112,840,898, plus strand): 5'-CCAGGTCCAGCAAGCATCTGCGTCTTCTTCTGCACCCAACAAAAATCAGTTAGATGGTAA[G>C]AAAAAGAAACCAACTTCACCAGTAAAACCTATACCACAAAATACTGAATATAGGACACGT-3'
Protein context (NP_000029.2, residues 1758-1778): SAPNKNQLDG[Lys1768Asn]KKKPTSPVKP

ClinVar aggregate classification (germline): Uncertain significance (1 of 4 stars; one submission).

Conditions:
Familial adenomatous polyposis 1 (FAP1). Also called: FAMILIAL ADENOMATOUS POLYPOSIS 1, ATTENUATED; POLYPOSIS, ADENOMATOUS INTESTINAL. Identifiers: MedGen C2713442, MONDO:0021056, OMIM 175100. Disease mechanism: loss of function.

Submission:

Labcorp Genetics (formerly Invitae), Labcorp
Classification: Uncertain significance for Familial adenomatous polyposis 1. Last evaluated: 2021-08-13. Review status: criteria provided, single submitter. Criteria: Invitae Variant Classification Sherloc (09022015). Collection method: clinical testing. Allele origin: germline.
Comment: This sequence change replaces lysine with asparagine at codon 1768 of the APC protein (p.Lys1768Asn). The lysine residue is moderately conserved and there is a moderate physicochemical difference between lysine and asparagine. This variant is not present in population databases (ExAC no frequency). This variant has not been reported in the literature in individuals affected with APC-related conditions. Algorithms developed to predict the effect of missense changes on protein structure and function (SIFT, PolyPhen-2, Align-GVGD) all suggest that this variant is likely to be tolerated. In summary, the available evidence is currently insufficient to determine the role of this variant in disease. Therefore, it has been classified as a Variant of Uncertain Significance.